The following is an entry in ClinVar:

ClinVar aggregate classification (germline): Uncertain significance (1 of 4 stars; one submission).

Submission:

Labcorp Genetics (formerly Invitae), Labcorp
Classification: Uncertain significance. Last evaluated: 2025-04-28. Review status: criteria provided, single submitter. Criteria: Invitae Variant Classification Sherloc (09022015). Collection method: clinical testing. Allele origin: germline.
Comment: This sequence change replaces alanine, which is neutral and non-polar, with valine, which is neutral and non-polar, at codon 710 of the SON protein (p.Ala710Val). This variant is not present in population databases (gnomAD no frequency). This variant has not been reported in the literature in individuals affected with SON-related conditions. An algorithm developed to predict the effect of missense changes on protein structure and function (PolyPhen-2) suggests that this variant is likely to be disruptive. In summary, the available evidence is currently insufficient to determine the role of this variant in disease. Therefore, it has been classified as a Variant of Uncertain Significance.

NM_138927.4(SON):c.2129C>T (p.Ala710Val)

Gene: SON (SON DNA and RNA binding protein; plus strand). Cytogenetic location: 21q22.11.
Variant type: single nucleotide variant.
Coding change: c.2129C>T on transcript NM_138927.4 (MANE Select); coding-DNA position 2129, C replaced by T.
Protein change: p.Ala710Val; replaces alanine 710 with valine.
Molecular consequence: missense variant. On other transcripts: non-coding transcript variant (1), intron variant (1).
Genome position (GRCh38, 1-based): chr21:33,551,360, C>T. VCF-style: chr21-33551360-C-T. GRCh37 (hg19) VCF-style: chr21-34923666-C-T.
Other names: c.2129C>T, p.Ala710Val (NM_001291411.2, NM_032195.3); c.244+4981C>T (NM_001291412.3); short protein forms A710V.
Identifiers: ClinVar variation 4717358 (VCV004717358.1).